The following is an entry in ClinVar:

ClinVar aggregate classification (germline): Uncertain significance (1 of 4 stars; one submission).

Conditions:
Hereditary cancer-predisposing syndrome. Also called: Hereditary neoplastic syndrome; Neoplastic Syndromes, Hereditary; Tumor predisposition; Hereditary Cancer Syndrome. Identifiers: Orphanet 140162, MedGen C0027672, MeSH D009386, MONDO:0015356.

Submission:

Ambry Genetics
Classification: Uncertain significance for Hereditary cancer-predisposing syndrome. Last evaluated: 2025-08-27. Review status: criteria provided, single submitter. Criteria: Ambry Variant Classification Scheme 2023. Collection method: clinical testing. Allele origin: germline.
Comment: The p.V90L variant (also known as c.268G>C), located in coding exon 3 of the MUTYH gene, results from a G to C substitution at nucleotide position 268. The valine at codon 90 is replaced by leucine, an amino acid with highly similar properties. This amino acid position is conserved. In addition, this alteration is predicted to be tolerated by in silico analysis. Based on the available evidence, the clinical significance of this variant remains unclear.

NM_001048174.2(MUTYH):c.184G>C (p.Val62Leu)

Gene: MUTYH (mutY DNA glycosylase; minus strand). Cytogenetic location: 1p34.1.
Variant type: single nucleotide variant.
Coding change: c.184G>C on transcript NM_001048174.2 (MANE Select); coding-DNA position 184, G replaced by C.
Protein change: p.Val62Leu; replaces valine 62 with leucine.
Molecular consequence: missense variant. On other transcripts: 5 prime UTR variant (6), non-coding transcript variant (7).
Genome position (GRCh38, 1-based): chr1:45,333,493, C>G on the plus strand (G>C on the coding strand, the complement: MUTYH is on the minus strand). VCF-style: chr1-45333493-C-G. GRCh37 (hg19) VCF-style: chr1-45799165-C-G.
Other names: c.184G>C, p.Val62Leu (NM_001048171.2, NM_001407070.1, NM_001407072.1 and 6 more transcripts); c.-88G>C (NM_001350651.2, NM_001350650.2, NM_001407082.1); c.259G>C, p.Val87Leu (NM_001407069.1, NM_012222.3); c.187G>C, p.Val63Leu (NM_001407071.1, NM_001407078.1, NM_001048172.2 and 2 more transcripts); c.226G>C, p.Val76Leu (NM_001407073.1, NM_001407083.1, NM_001407085.1); c.100G>C, p.Val34Leu (NM_001407075.1); c.217G>C, p.Val73Leu (NM_001407077.1, NM_001293191.2); c.268G>C, p.Val90Leu (NM_001128425.2); and 3 more; short protein forms V69L, V73L, V76L, V62L, V77L, V34L, V63L, V87L.
Identifiers: ClinVar variation 4113561 (VCV004113561.1).